The following is an entry in ClinVar:

ClinVar aggregate classification (germline): Uncertain significance (1 of 4 stars; one submission).

Submission:

GeneDx
Classification: Uncertain significance. Last evaluated: 2020-06-23. Review status: criteria provided, single submitter. Criteria: GeneDx Variant Classification Process June 2021. Collection method: clinical testing. Allele origin: germline. Affected: yes.
Comment: Not observed in large population cohorts (Lek et al., 2016); In silico analysis supports that this variant does not alter protein structure/function; Has not been previously published as pathogenic or benign to our knowledge

NM_014795.4(ZEB2):c.323_324delinsGA (p.Asp108Gly)

Gene: ZEB2 (zinc finger E-box binding homeobox 2; minus strand). Cytogenetic location: 2q22.3.
Variant type: Indel.
Coding change: c.323_324delinsGA on transcript NM_014795.4 (MANE Select); coding-DNA positions 323 to 324, AT replaced by GA.
Protein change: p.Asp108Gly; replaces aspartic acid 108 with glycine.
Molecular consequence: missense variant.
Genome position (GRCh38, 1-based): chr2:144,429,776-144,429,777, AT replaced by TC on the plus strand (AT replaced by GA on the coding strand, the reverse complement: ZEB2 is on the minus strand). VCF-style: chr2-144429776-AT-TC. GRCh37 (hg19) VCF-style: chr2-145187343-AT-TC.
Other names: c.323_324delinsGA, p.Asp108Gly (NM_001171653.2); short protein forms D108G.
Identifiers: ClinVar variation 1312760 (VCV001312760.2), dbSNP rs2149891130, ClinGen allele CA2573051657.